The following is an entry in ClinVar:

NC_000004.11:g.(?_2822345)_(3495228_?)dup

Genes: ADD1 (adducin 1; plus strand), RGS12 (regulator of G protein signaling 12; plus strand), NOP14 (NOP14 nucleolar protein; minus strand), SH3BP2 (SH3 domain binding protein 2; plus strand), DOK7 (docking protein 7; plus strand) and 5 more. Cytogenetic location: 4p16.3.
Variant type: Duplication.
Identifiers: ClinVar variation 1374044 (VCV001374044.4).

ClinVar aggregate classification (germline): Uncertain significance (1 of 4 stars; one submission).

Submission:

Labcorp Genetics (formerly Invitae), Labcorp
Classification: Uncertain significance. Last evaluated: 2020-12-30. Review status: criteria provided, single submitter. Criteria: Invitae Variant Classification Sherloc (09022015). Collection method: clinical testing. Allele origin: germline.
Comment: This variant has not been reported in the literature in individuals with HTT-related conditions. In summary, the available evidence is currently insufficient to determine the role of this variant in disease. Therefore, it has been classified as a Variant of Uncertain Significance. A copy number gain of the genomic region encompassing the full coding sequence of the HTT gene has been identified. The boundaries of this event are unknown as they extend beyond the assayed region for this gene and therefore may encompass additional genes. As the precise location of this event is unknown, it may be in tandem or it may be located elsewhere in the genome.